The following is an entry in ClinVar:

NM_000718.4(CACNA1B):c.6238+5G>A

Gene: CACNA1B (calcium voltage-gated channel subunit alpha1 B; plus strand). Cytogenetic location: 9q34.3.
Variant type: single nucleotide variant.
Coding change: c.6238+5G>A on transcript NM_000718.4 (MANE Select); 5 bases into the intron after coding-DNA position 6238, G replaced by A.
Molecular consequence: intron variant.
Genome position (GRCh38, 1-based): chr9:138,120,377, G>A. VCF-style: chr9-138120377-G-A. GRCh37 (hg19) VCF-style: chr9-141014829-G-A.
Other names: c.6238+5G>A (NM_001243812.2).
Identifiers: ClinVar variation 1993380 (VCV001993380.1), dbSNP rs200948733, ClinGen allele CA201872933.

ClinVar aggregate classification (germline): Uncertain significance (1 of 4 stars; one submission).

gnomAD v4.1: 6 of 1,543,082 alleles (0.00039%); highest among the groups gnomAD compares: African/African-American, 0.0014%; no homozygotes.

Submission:

Labcorp Genetics (formerly Invitae), Labcorp
Classification: Uncertain significance. Last evaluated: 2022-06-10. Review status: criteria provided, single submitter. Criteria: Invitae Variant Classification Sherloc (09022015). Collection method: clinical testing. Allele origin: germline.
Comment: This sequence change falls in intron 45 of the CACNA1B gene. It does not directly change the encoded amino acid sequence of the CACNA1B protein. It affects a nucleotide within the consensus splice site. This variant is not present in population databases (gnomAD no frequency). This variant has not been reported in the literature in individuals affected with CACNA1B-related conditions. Variants that disrupt the consensus splice site are a relatively common cause of aberrant splicing (PMID: 17576681, 9536098). Algorithms developed to predict the effect of sequence changes on RNA splicing suggest that this variant may disrupt the consensus splice site. In summary, the available evidence is currently insufficient to determine the role of this variant in disease. Therefore, it has been classified as a Variant of Uncertain Significance.

Literature cited by the submitters: PubMed 17576681; PubMed 9536098.